The following is an entry in ClinVar:

NM_004733.4(SLC33A1):c.1006G>A (p.Val336Ile)

Gene: SLC33A1 (solute carrier family 33 member 1; minus strand). Cytogenetic location: 3q25.31.
Variant type: single nucleotide variant.
Coding change: c.1006G>A on transcript NM_004733.4 (MANE Select); coding-DNA position 1006, G replaced by A.
Protein change: p.Val336Ile; replaces valine 336 with isoleucine.
Molecular consequence: missense variant.
Genome position (GRCh38, 1-based): chr3:155,833,999, C>T on the plus strand (G>A on the coding strand, the complement: SLC33A1 is on the minus strand). VCF-style: chr3-155833999-C-T. GRCh37 (hg19) VCF-style: chr3-155551788-C-T.
Other names: c.1006G>A, p.Val336Ile (NM_001190992.2); c.818G>A, p.Gly273Asp (NM_001363883.1); short protein forms G273D, V336I.
Identifiers: ClinVar variation 1215630 (VCV001215630.33), dbSNP rs759509587, ClinGen allele CA2677334.

ClinVar aggregate classification (germline): Uncertain significance. Review status: criteria provided, multiple submitters, no conflicts (2 of 4 stars). 4 submissions from 4 submitters: Uncertain significance (4). Last evaluated 2026-08-01.

Conditions:
Spastic paraplegia. Identifiers: MedGen C0037772, HP:0001258.
Inborn genetic diseases. Identifiers: MedGen C0950123, MeSH D030342.

Allele frequency attached by ClinVar (database versions not stated): gnomAD exomes 0.00010 and 0.00022; TOPMed 0.00011; ExAC 0.00012; gnomAD 0.00016 and 0.00018.
gnomAD v4.1: 354 of 1,613,810 alleles (0.022%); highest among the groups gnomAD compares: Non-Finnish European, 0.028%; no homozygotes.

Submissions (4):

CeGaT Center for Human Genetics Tuebingen
Classification: Uncertain significance. Last evaluated: 2026-08-01. Review status: criteria provided, single submitter. Criteria: CeGaT Center For Human Genetics Tuebingen Variant Classification Criteria Version 2. Collection method: clinical testing. Allele origin: germline. Affected: yes. Observed: 4 variant alleles.

Ambry Genetics
Classification: Uncertain significance for Inborn genetic diseases. Last evaluated: 2023-01-20. Review status: criteria provided, single submitter. Criteria: Ambry Variant Classification Scheme 2023. Collection method: clinical testing. Allele origin: germline.

Labcorp Genetics (formerly Invitae), Labcorp
Classification: Uncertain significance for Spastic paraplegia. Last evaluated: 2022-11-08. Review status: criteria provided, single submitter. Criteria: Invitae Variant Classification Sherloc (09022015). Collection method: clinical testing. Allele origin: germline.
Comment: In summary, the available evidence is currently insufficient to determine the role of this variant in disease. Therefore, it has been classified as a Variant of Uncertain Significance. Advanced modeling of protein sequence and biophysical properties (such as structural, functional, and spatial information, amino acid conservation, physicochemical variation, residue mobility, and thermodynamic stability) performed at Invitae indicates that this missense variant is not expected to disrupt SLC33A1 protein function. ClinVar contains an entry for this variant (Variation ID: 1215630). This variant has not been reported in the literature in individuals affected with SLC33A1-related conditions. This variant is present in population databases (rs759509587, gnomAD 0.02%). This sequence change replaces valine, which is neutral and non-polar, with isoleucine, which is neutral and non-polar, at codon 336 of the SLC33A1 protein (p.Val336Ile).

GeneDx
Classification: Uncertain significance. Last evaluated: 2022-07-14. Review status: criteria provided, single submitter. Criteria: GeneDx Variant Classification Process June 2021. Collection method: clinical testing. Allele origin: germline. Affected: yes.
Comment: Has not been previously published as pathogenic or benign to our knowledge; In silico analysis supports that this missense variant does not alter protein structure/function